The following is an entry in ClinVar:

NM_001130987.2(DYSF):c.6358T>G (p.Ter2120Gly)

Gene: DYSF (dysferlin; plus strand). Cytogenetic location: 2p13.2.
Variant type: single nucleotide variant.
Coding change: c.6358T>G on transcript NM_001130987.2 (MANE Select); coding-DNA position 6358, T replaced by G.
Protein change: p.Ter2120Gly.
Molecular consequence: stop lost.
Genome position (GRCh38, 1-based): chr2:71,686,490, T>G. VCF-style: chr2-71686490-T-G. GRCh37 (hg19) VCF-style: chr2-71913620-T-G.
Other names: *2120G; *2081G; *2068G; *2088G; *2113G; *2119G; *2103G; *2112G; and 19 more.
Identifiers: ClinVar variation 538628 (VCV000538628.11), dbSNP rs1327953255, ClinGen allele CA347227929.

ClinVar aggregate classification (germline): Uncertain significance (1 of 4 stars; one submission).

Conditions:
Neuromuscular disease caused by qualitative or quantitative defects of dysferlin. Also called: Dysferlinopathy; Qualitative or quantitative defects of dysferlin. Identifiers: Orphanet 207073, MedGen C2931687, MONDO:0016145.

Allele frequency attached by ClinVar (database versions not stated): TOPMed below 0.00001.

Submission:

Labcorp Genetics (formerly Invitae), Labcorp
Classification: Uncertain significance for Neuromuscular disease caused by qualitative or quantitative defects of dysferlin. Last evaluated: 2022-07-26. Review status: criteria provided, single submitter. Criteria: Invitae Variant Classification Sherloc (09022015). Collection method: clinical testing. Allele origin: germline.
Comment: ClinVar contains an entry for this variant (Variation ID: 538628). In summary, the available evidence is currently insufficient to determine the role of this variant in disease. Therefore, it has been classified as a Variant of Uncertain Significance. This variant has not been reported in the literature in individuals affected with DYSF-related conditions. This variant is not present in population databases (gnomAD no frequency). This sequence change disrupts the translational stop signal of the DYSF mRNA. It is expected to extend the length of the DYSF protein by 33 additional amino acid residues.